The following is an entry in ClinVar:

ClinVar aggregate classification (germline): Uncertain significance. Review status: criteria provided, multiple submitters, no conflicts (2 of 4 stars). 2 submissions from 2 submitters: Uncertain significance (2). Last evaluated 2019-11-04.

Conditions:
Autosomal recessive limb-girdle muscular dystrophy type 2J (LGMDR10). Also called: Limb-girdle muscular dystrophy, type 2J; MUSCULAR DYSTROPHY, LIMB-GIRDLE, AUTOSOMAL RECESSIVE 10. Identifiers: Orphanet 140922, MedGen C1837342, MONDO:0012127, OMIM 608807.

Submissions (2):

Baylor Genetics
Classification: Uncertain significance for Autosomal recessive limb-girdle muscular dystrophy type 2J. Last evaluated: 2019-11-04. Review status: criteria provided, single submitter. Criteria: ACMG Guidelines, 2015. Collection method: clinical testing. Allele origin: unknown. Affected: yes.
Comment: This variant was determined to be of uncertain significance according to ACMG Guidelines, 2015 [PMID:25741868].

Breakthrough Genomics
Classification: Uncertain significance. Review status: criteria provided, single submitter. Criteria: ACMG Guidelines, 2015. Collection method: not provided. Allele origin: germline. Inheritance: Autosomal recessive inheritance. Affected: yes.

NM_001267550.2(TTN):c.27602T>C (p.Ile9201Thr)

Gene: TTN (titin; minus strand). Cytogenetic location: 2q31.2.
Variant type: single nucleotide variant.
Coding change: c.27602T>C on transcript NM_001267550.2 (MANE Select); coding-DNA position 27602, T replaced by C.
Protein change: p.Ile9201Thr; replaces isoleucine 9201 with threonine.
Molecular consequence: missense variant. On other transcripts: intron variant (3).
Genome position (GRCh38, 1-based): chr2:178,712,320, A>G on the plus strand (T>C on the coding strand, the complement: TTN is on the minus strand). VCF-style: chr2-178712320-A-G. GRCh37 (hg19) VCF-style: chr2-179577047-A-G.
Other names: c.26651T>C, p.Ile8884Thr (NM_001256850.1); c.23870T>C, p.Ile7957Thr (NM_133378.4); c.13282+25762T>C (NM_003319.4); c.13858+25762T>C (NM_133437.4); c.13657+25762T>C (NM_133432.3); short protein forms I8884T, I9201T, I7957T.
Identifiers: ClinVar variation 1030138 (VCV001030138.2), dbSNP rs911557684, ClinGen allele CA349450676.
Genomic context (GRCh38, chr2:178,712,320, plus strand): 5'-GACATGCCAGATCATCGATTGTATACAAAGATAAAAATGTGCAATCATGACAAACCTAGT[A>G]TGAGTATTTGTGCTGAACAGGAATCTTTTCCAGAGGCATTTTCAATGTAGCAGTTGTATT-3'
Protein context (NP_001254479.2, residues 9191-9211): GKDSCSAQIL[Ile9201Thr]LEPPYFVKQL